The following is an entry in ClinVar:

NM_002430.3(MN1):c.129del (p.Pro45fs)

Gene: MN1 (MN1 proto-oncogene, transcriptional regulator; minus strand). Cytogenetic location: 22q12.1.
Variant type: Deletion.
Coding change: c.129del on transcript NM_002430.3 (MANE Select); coding-DNA position 129, one base deleted (G; older notation c.129delG).
Protein change: p.Pro45fs; shifts the reading frame from proline 45.
Molecular consequence: frameshift variant.
Genome position (GRCh38, 1-based): chr22:27,800,415, C deleted on the plus strand (G on the coding strand, the reverse complement: MN1 is on the minus strand); the first of 6 consecutive C bases (chr22:27,800,415-27,800,420); deleting any one gives the same sequence. VCF-style (leftmost placement, unchanged base first): chr22-27800414-GC-G. GRCh37 (hg19) VCF-style: chr22-28196402-GC-G.
Other names: short protein forms P45fs.
Identifiers: ClinVar variation 4994791 (VCV004994791.1).

ClinVar aggregate classification (germline): Uncertain significance (1 of 4 stars; one submission).

Conditions:
MN1-related disorder. Also called: MN1-related condition.

Submission:

PreventionGenetics, part of Exact Sciences
Classification: Uncertain significance for MN1-related condition. Last evaluated: 2026-01-09. Review status: criteria provided, single submitter. Criteria: ACMG Guidelines, 2015. Collection method: clinical testing. Allele origin: germline.
Comment: The MN1 c.129delG variant is predicted to result in a frameshift and premature protein termination (p.Pro45Leufs*8). To our knowledge, this variant, which is located in exon 1, has not been reported in the literature or in a large population database (gnomAD), indicating this variant is rare. Most pathogenic variants in MN1 are located in exon 2, with a small number of disease causing variants in exon 1 (p.Ser179*, p.Pro365Thrfs*120, p.Ser472*) reported to present with mild disease (Mak et al. 2019. PubMed ID: 31834374). Although we suspect that this variant may be pathogenic, at this time, the clinical significance of this variant is uncertain due to the absence of conclusive functional and genetic evidence.